The following is an entry in ClinVar:

ClinVar aggregate classification (germline): Uncertain significance (1 of 4 stars; one submission).

Conditions:
Hereditary cancer-predisposing syndrome. Also called: Neoplastic Syndromes, Hereditary; Tumor predisposition; Hereditary Cancer Syndrome; Hereditary neoplastic syndrome. Identifiers: Orphanet 140162, MedGen C0027672, MeSH D009386, MONDO:0015356.

gnomAD v4.1: 2 of 1,613,902 alleles (0.00012%); highest among the groups gnomAD compares: Non-Finnish European, 0.00017%; no homozygotes.

Submission:

Ambry Genetics
Classification: Uncertain significance for Hereditary cancer-predisposing syndrome. Last evaluated: 2026-01-21. Review status: criteria provided, single submitter. Criteria: Ambry Variant Classification Scheme 2023. Collection method: clinical testing. Allele origin: germline.
Comment: The p.A1149E variant (also known as c.3446C>A), located in coding exon 28 of the POLE gene, results from a C to A substitution at nucleotide position 3446. The alanine at codon 1149 is replaced by glutamic acid, an amino acid with dissimilar properties. This amino acid position is highly conserved in available vertebrate species. In addition, this alteration is predicted to be deleterious by in silico analysis. Based on the available evidence, the clinical significance of this variant remains unclear.

NM_006231.4(POLE):c.3446C>A (p.Ala1149Glu)

Gene: POLE (DNA polymerase epsilon, catalytic subunit; minus strand). Cytogenetic location: 12q24.33.
Variant type: single nucleotide variant.
Coding change: c.3446C>A on transcript NM_006231.4 (MANE Select); coding-DNA position 3446, C replaced by A.
Protein change: p.Ala1149Glu; replaces alanine 1149 with glutamic acid.
Molecular consequence: missense variant.
Genome position (GRCh38, 1-based): chr12:132,657,362, G>T on the plus strand (C>A on the coding strand, the complement: POLE is on the minus strand). VCF-style: chr12-132657362-G-T. GRCh37 (hg19) VCF-style: chr12-133233948-G-T.
Other names: short protein forms A1149E.
Identifiers: ClinVar variation 4844255 (VCV004844255.1).